The following is an entry in ClinVar:

ClinVar aggregate classification (germline): Benign. Review status: criteria provided, multiple submitters, no conflicts (2 of 4 stars). 3 submissions from 3 submitters: Benign (3). Last evaluated 2021-04-07.

Allele frequency attached by ClinVar (database versions not stated): TOPMed 0.32867; gnomAD exomes 0.27419; ExAC 0.28076; 1000 Genomes Project 0.30591; 1000 Genomes Project 30x 0.30668; ESP Exome Variant Server 0.34722.
gnomAD v4.1: 465,363 of 1,613,572 alleles (29%); highest among the groups gnomAD compares: African/African-American, 48%; 70,233 homozygotes.

Submissions (3):

Mayo Clinic Laboratories, Mayo Clinic
Classification: Benign. Last evaluated: 2021-04-07. Review status: criteria provided, single submitter. Criteria: ACMG Guidelines, 2015. Collection method: clinical testing. Allele origin: germline. Observed: 14 variant alleles.

GeneDx
Classification: Benign. Last evaluated: 2015-12-02. Review status: criteria provided, single submitter. Criteria: GeneDx Variant Classification (06012015). Collection method: clinical testing. Allele origin: germline. Affected: yes.
Comment: This variant is considered likely benign or benign based on one or more of the following criteria: it is a conservative change, it occurs at a poorly conserved position in the protein, it is predicted to be benign by multiple in silico algorithms, and/or has population frequency not consistent with disease.

Breakthrough Genomics
Classification: Benign. Review status: criteria provided, single submitter. Criteria: ACMG Guidelines, 2015. Collection method: not provided. Allele origin: germline. Inheritance: Autosomal recessive inheritance. Affected: yes.

NM_013391.3(DMGDH):c.1589C>G (p.Ala530Gly)

Gene: DMGDH (dimethylglycine dehydrogenase; minus strand). Cytogenetic location: 5q14.1.
Variant type: single nucleotide variant.
Coding change: c.1589C>G on transcript NM_013391.3 (MANE Select); coding-DNA position 1589, C replaced by G.
Protein change: p.Ala530Gly; replaces alanine 530 with glycine.
Molecular consequence: missense variant. On other transcripts: non-coding transcript variant (2).
Genome position (GRCh38, 1-based): chr5:79,030,927, G>C on the plus strand (C>G on the coding strand, the complement: DMGDH is on the minus strand). VCF-style: chr5-79030927-G-C. GRCh37 (hg19) VCF-style: chr5-78326750-G-C.
Other names: p.Ala530Gly; short protein forms A530G.
Identifiers: ClinVar variation 380064 (VCV000380064.3), dbSNP rs1805073, ClinGen allele CA3318672.